The following is an entry in ClinVar:

NM_024652.6(LRRK1):c.253C>A (p.Leu85Met)

Gene: LRRK1 (leucine rich repeat kinase 1; plus strand). Cytogenetic location: 15q26.3.
Variant type: single nucleotide variant.
Coding change: c.253C>A on transcript NM_024652.6 (MANE Select); coding-DNA position 253, C replaced by A.
Protein change: p.Leu85Met; replaces leucine 85 with methionine.
Molecular consequence: missense variant.
Genome position (GRCh38, 1-based): chr15:100,973,959, C>A. VCF-style: chr15-100973959-C-A. GRCh37 (hg19) VCF-style: chr15-101514164-C-A.
Other names: c.253C>A (NM_024652.3); short protein forms L85M.
Identifiers: ClinVar variation 1981948 (VCV001981948.4), dbSNP rs796076773, ClinGen allele CA393950184.
Genomic context (GRCh38, chr15:100,973,959, plus strand): 5'-GGAGACCGCGGCGGCGCCCGGGACCTGCTGGAGGAGGCCTGCGACCAGTGCGCGTCCCAG[C>A]TGGAAAAGGTAGGGGAGCGCCTGCCCCTGCGGCCACCCATGCAGCCCCGGGCTGGACGAA-3'
Protein context (NP_078928.3, residues 75-95): EEACDQCASQ[Leu85Met]EKGQLLSIPA

ClinVar aggregate classification (germline): Uncertain significance. Review status: criteria provided, multiple submitters, no conflicts (2 of 4 stars). 2 submissions from 2 submitters: Uncertain significance (2). Last evaluated 2023-04-17.

Conditions:
Inborn genetic diseases. Identifiers: MedGen C0950123, MeSH D030342.

Allele frequency attached by ClinVar (database versions not stated): gnomAD 0.00002; TOPMed 0.00003.
gnomAD v4.1: 9 of 1,250,134 alleles (0.00072%); highest among the groups gnomAD compares: East Asian, 0.013%; no homozygotes.

Submissions (2):

Ambry Genetics
Classification: Uncertain significance for Inborn genetic diseases. Last evaluated: 2023-04-17. Review status: criteria provided, single submitter. Criteria: Ambry Variant Classification Scheme 2023. Collection method: clinical testing. Allele origin: germline.

Labcorp Genetics (formerly Invitae), Labcorp
Classification: Uncertain significance. Last evaluated: 2022-09-27. Review status: criteria provided, single submitter. Criteria: Invitae Variant Classification Sherloc (09022015). Collection method: clinical testing. Allele origin: germline.
Comment: This variant has not been reported in the literature in individuals affected with LRRK1-related conditions. In summary, the available evidence is currently insufficient to determine the role of this variant in disease. Therefore, it has been classified as a Variant of Uncertain Significance. Algorithms developed to predict the effect of missense changes on protein structure and function (SIFT, PolyPhen-2, Align-GVGD) all suggest that this variant is likely to be tolerated. This variant is present in population databases (no rsID available, gnomAD 0.1%). This sequence change replaces leucine, which is neutral and non-polar, with methionine, which is neutral and non-polar, at codon 85 of the LRRK1 protein (p.Leu85Met).